The following is an entry in ClinVar:

ClinVar aggregate classification (germline): Benign. Review status: criteria provided, multiple submitters, no conflicts (2 of 4 stars). 3 submissions from 3 submitters: Benign (2). 1 of the submissions does not count toward it. Last evaluated 2019-12-31.

Conditions:
KLHL15-related disorder. Also called: KLHL15-related condition.

Allele frequency attached by ClinVar (database versions not stated): gnomAD exomes 0.00192; ExAC 0.00251; gnomAD 0.00551; TOPMed 0.00665; 1000 Genomes Project 0.00689; ESP Exome Variant Server 0.00729; 1000 Genomes Project 30x 0.00770.
gnomAD v4.1: 1,690 of 1,209,335 alleles (0.14%); highest among the groups gnomAD compares: African/African-American, 2.1%; 6 homozygotes.

Submissions (10):

Labcorp Genetics (formerly Invitae), Labcorp
Classification: Benign. Last evaluated: 2019-12-31. Review status: criteria provided, single submitter. Criteria: Invitae Variant Classification Sherloc (09022015). Collection method: clinical testing. Allele origin: germline.

Breakthrough Genomics
Classification: Benign. Review status: criteria provided, single submitter. Criteria: ACMG Guidelines, 2015. Collection method: not provided. Allele origin: germline. Inheritance: X-linked inheritance. Affected: yes.

PreventionGenetics, part of Exact Sciences
Classification: Benign for KLHL15-related condition. Last evaluated: 2019-03-14. Review status: no assertion criteria provided. Collection method: clinical testing. Allele origin: germline. Not counted in ClinVar's aggregate classification.
Comment: This variant is classified as benign based on ACMG/AMP sequence variant interpretation guidelines (Richards et al. 2015 PMID: 25741868, with internal and published modifications).

Dr. Peter K. Rogan Lab, Western University
No classification provided (evidence only). Condition: Colon adenocarcinoma. Review status: no classification provided. Collection method: in vitro. Allele origin: not applicable. Functional consequence: retained intron. Not counted in ClinVar's aggregate classification.

Dr. Peter K. Rogan Lab, Western University
No classification provided (evidence only). Condition: Thyroid cancer, nonmedullary, 1. Review status: no classification provided. Collection method: in vitro. Allele origin: not applicable. Functional consequence: retained intron. Not counted in ClinVar's aggregate classification.

Dr. Peter K. Rogan Lab, Western University
No classification provided (evidence only). Condition: Thyroid cancer, nonmedullary, 1. Review status: no classification provided. Collection method: in vitro. Allele origin: not applicable. Functional consequence: retained intron. Not counted in ClinVar's aggregate classification.

Dr. Peter K. Rogan Lab, Western University
No classification provided (evidence only). Condition: Thyroid cancer, nonmedullary, 1. Review status: no classification provided. Collection method: in vitro. Allele origin: not applicable. Functional consequence: retained intron. Not counted in ClinVar's aggregate classification.

Dr. Peter K. Rogan Lab, Western University
No classification provided (evidence only). Condition: Uterine corpus endometrial carcinoma. Review status: no classification provided. Collection method: in vitro. Allele origin: not applicable. Functional consequence: retained intron. Not counted in ClinVar's aggregate classification.

Dr. Peter K. Rogan Lab, Western University
No classification provided (evidence only). Condition: Nonpapillary renal cell carcinoma. Review status: no classification provided. Collection method: in vitro. Allele origin: not applicable. Functional consequence: retained intron. Not counted in ClinVar's aggregate classification.

Dr. Peter K. Rogan Lab, Western University
No classification provided (evidence only). Condition: Uveal melanoma. Review status: no classification provided. Collection method: in vitro. Allele origin: not applicable. Functional consequence: retained intron. Not counted in ClinVar's aggregate classification.

NM_030624.3(KLHL15):c.1695G>A (p.Pro565=)

Gene: KLHL15 (kelch like family member 15; minus strand). Cytogenetic location: Xp22.11.
Variant type: single nucleotide variant.
Coding change: c.1695G>A on transcript NM_030624.3 (MANE Select); coding-DNA position 1695, G replaced by A.
Protein change: p.Pro565=; no amino-acid change (proline 565 retained).
Molecular consequence: synonymous variant.
Genome position (GRCh38, 1-based): chrX:23,988,041, C>T on the plus strand (G>A on the coding strand, the complement: KLHL15 is on the minus strand). VCF-style: chrX-23988041-C-T. GRCh37 (hg19) VCF-style: chrX-24006158-C-T.
Other names: NC_000023.10:g.24006158C>T.
Identifiers: ClinVar variation 714922 (VCV000714922.8), dbSNP rs149191178, ClinGen allele CA10370472.